The following is an entry in ClinVar:

ClinVar aggregate classification (germline): Uncertain significance. Review status: criteria provided, multiple submitters, no conflicts (2 of 4 stars). 2 submissions from 2 submitters: Uncertain significance (2). Last evaluated 2024-01-19.

Conditions:
Retinitis pigmentosa 20 (RP20). Identifiers: Orphanet 791, MedGen C3151086, MONDO:0013425, OMIM 613794.
Leber congenital amaurosis 2 (LCA2). Also called: AMAUROSIS CONGENITA OF LEBER II; Autosomal Recessive RPE65-Related Retinal Degeneration. Identifiers: Orphanet 65, MedGen C1859844, MONDO:0008765, OMIM 204100. Disease mechanism: loss of function.

Allele frequency attached by ClinVar (database versions not stated): gnomAD exomes below 0.00001.
gnomAD v4.1: 1 of 1,613,822 alleles (0.000062%); highest among the groups gnomAD compares: South Asian, 0.0011%; no homozygotes.

Submissions (2):

Labcorp Genetics (formerly Invitae), Labcorp
Classification: Uncertain significance for Leber congenital amaurosis 2; Retinitis pigmentosa 20. Last evaluated: 2024-01-19. Review status: criteria provided, single submitter. Criteria: Invitae Variant Classification Sherloc (09022015). Collection method: clinical testing. Allele origin: germline.
Comment: This sequence change replaces isoleucine, which is neutral and non-polar, with threonine, which is neutral and polar, at codon 471 of the RPE65 protein (p.Ile471Thr). This variant is not present in population databases (gnomAD no frequency). This variant has not been reported in the literature in individuals affected with RPE65-related conditions. Advanced modeling of protein sequence and biophysical properties (such as structural, functional, and spatial information, amino acid conservation, physicochemical variation, residue mobility, and thermodynamic stability) performed at Invitae indicates that this missense variant is not expected to disrupt RPE65 protein function with a negative predictive value of 80%. In summary, the available evidence is currently insufficient to determine the role of this variant in disease. Therefore, it has been classified as a Variant of Uncertain Significance.

Blueprint Genetics
Classification: Uncertain significance. Last evaluated: 2022-01-12. Review status: criteria provided, single submitter. Criteria: ACMG Guidelines, 2015. Collection method: clinical testing. Allele origin: germline.

NM_000329.3(RPE65):c.1412T>C (p.Ile471Thr)

Gene: RPE65 (retinoid isomerohydrolase RPE65; minus strand). Cytogenetic location: 1p31.3.
Variant type: single nucleotide variant.
Coding change: c.1412T>C on transcript NM_000329.3 (MANE Select); coding-DNA position 1412, T replaced by C.
Protein change: p.Ile471Thr; replaces isoleucine 471 with threonine.
Molecular consequence: missense variant.
Genome position (GRCh38, 1-based): chr1:68,431,103, A>G on the plus strand (T>C on the coding strand, the complement: RPE65 is on the minus strand). VCF-style: chr1-68431103-A-G. GRCh37 (hg19) VCF-style: chr1-68896786-A-G.
Other names: c.1304T>C, p.Ile435Thr (NM_001406853.1); c.1136T>C, p.Ile379Thr (NM_001406856.1, NM_001406857.1); short protein forms I435T, I471T, I379T.
Identifiers: ClinVar variation 2933373 (VCV002933373.4), dbSNP rs2523401264, ClinGen allele CA340741889.